The following is an entry in ClinVar:

ClinVar aggregate classification (germline): Pathogenic (1 of 4 stars; one submission).

Conditions:
Cardiovascular phenotype. Identifiers: MedGen CN230736.

Submission:

Ambry Genetics
Classification: Pathogenic for Cardiovascular phenotype. Last evaluated: 2025-10-17. Review status: criteria provided, single submitter. Criteria: Ambry Variant Classification Scheme 2023. Collection method: clinical testing. Allele origin: germline.
Comment: The p.Y183* pathogenic mutation (also known as c.549T>A), located in coding exon 1 of the LOX gene, results from a T to A substitution at nucleotide position 549. This changes the amino acid from a tyrosine to a stop codon within coding exon 1. This variant is considered to be rare based on population cohorts in the Genome Aggregation Database (gnomAD). This alteration is expected to result in loss of function by premature protein truncation or nonsense-mediated mRNA decay. As such, this alteration is interpreted as a disease-causing mutation.

NM_002317.7(LOX):c.549T>A (p.Tyr183Ter)

Genes: LOX (lysyl oxidase; minus strand), SRFBP1 (serum response factor binding protein 1; plus strand). Cytogenetic location: 5q23.1.
Variant type: single nucleotide variant.
Coding change: c.549T>A on transcript NM_002317.7 (MANE Select); coding-DNA position 549, T replaced by A.
Protein change: p.Tyr183Ter; replaces tyrosine 183 with a stop codon.
Molecular consequence: nonsense.
Genome position (GRCh38, 1-based): chr5:122,077,437, A>T on the plus strand (T>A on the coding strand, the complement: LOX is on the minus strand). VCF-style: chr5-122077437-A-T. GRCh37 (hg19) VCF-style: chr5-121413132-A-T.
Other names: short protein forms Y183*.
Identifiers: ClinVar variation 4614544 (VCV004614544.1).
Genomic context (GRCh38, chr5:122,077,437, plus strand): 5'-GTATCCGGGCCGGTACCTGCCCCCAGGTCTGGGCCTTTCATAAGTATCGTAGTAGTTGTA[A>T]TAAGGGTTGTCGTCAGAGTACTTGTAGGGGTTGTAAGGGTCGTCGCCCACCATGCCGTCC-3'